The following is an entry in ClinVar:

ClinVar aggregate classification (germline): Uncertain significance (1 of 4 stars; one submission).

Allele frequency attached by ClinVar (database versions not stated): gnomAD exomes 0.00003; ExAC 0.00004; gnomAD 0.00004; TOPMed 0.00005.

Submission:

Labcorp Genetics (formerly Invitae), Labcorp
Classification: Uncertain significance. Last evaluated: 2022-01-19. Review status: criteria provided, single submitter. Criteria: Invitae Variant Classification Sherloc (09022015). Collection method: clinical testing. Allele origin: germline.
Comment: This sequence change replaces arginine, which is basic and polar, with lysine, which is basic and polar, at codon 1933 of the MCM3AP protein (p.Arg1933Lys). This variant is present in population databases (rs201946782, gnomAD 0.1%). This variant has not been reported in the literature in individuals affected with MCM3AP-related conditions. Algorithms developed to predict the effect of missense changes on protein structure and function (SIFT, PolyPhen-2, Align-GVGD) all suggest that this variant is likely to be tolerated. In summary, the available evidence is currently insufficient to determine the role of this variant in disease. Therefore, it has been classified as a Variant of Uncertain Significance.

NM_003906.5(MCM3AP):c.5798G>A (p.Arg1933Lys)

Genes: MCM3AP (minichromosome maintenance complex component 3 associated protein; minus strand), MCM3AP-AS1 (MCM3AP antisense RNA 1; plus strand). Cytogenetic location: 21q22.3.
Variant type: single nucleotide variant.
Coding change: c.5798G>A on transcript NM_003906.5 (MANE Select); coding-DNA position 5798, G replaced by A.
Protein change: p.Arg1933Lys; replaces arginine 1933 with lysine.
Molecular consequence: missense variant.
Genome position (GRCh38, 1-based): chr21:46,235,413, C>T on the plus strand (G>A on the coding strand, the complement: MCM3AP is on the minus strand). VCF-style: chr21-46235413-C-T. GRCh37 (hg19) VCF-style: chr21-47655327-C-T.
Other names: short protein forms R1933K.
Identifiers: ClinVar variation 1920379 (VCV001920379.2), dbSNP rs201946782, ClinGen allele CA10075734.
Genomic context (GRCh38, chr21:46,235,413, plus strand): 5'-AGGTGCTTTAGTCGTTCGCCTAGACACGTTCCTGTCGCCTCTGACAGCTGCAGTTGCTCC[C>T]TCATCATGTCACTCTATTTGAATAAAAAAGAAACTGAACAGTTTTGGGATGTCAATAAAC-3'
Protein context (NP_003897.2, residues 1923-1943): VTTSPQSDMM[Arg1933Lys]EQLQLSEATG